The following is an entry in ClinVar:

ClinVar aggregate classification (germline): Uncertain significance. Review status: criteria provided, multiple submitters, no conflicts (2 of 4 stars). 4 submissions from 4 submitters: Uncertain significance (4). Last evaluated 2023-04-11.

Conditions:
Inborn genetic diseases. Identifiers: MedGen C0950123, MeSH D030342.
Microcephaly 5, primary, autosomal recessive (MCPH5). Also called: ASPM Primary Microcephaly. Identifiers: Orphanet 2512, MedGen C1837501, MONDO:0012106, OMIM 608716.

Allele frequency attached by ClinVar (database versions not stated): gnomAD exomes below 0.00001 and 0.00005; gnomAD 0.00001; TOPMed 0.00001.

Submissions (4):

Genome-Nilou Lab
Classification: Uncertain significance for Microcephaly 5, primary, autosomal recessive. Last evaluated: 2023-04-11. Review status: criteria provided, single submitter. Criteria: ACMG Guidelines, 2015. Collection method: clinical testing. Allele origin: germline. Affected: no.

Ambry Genetics
Classification: Uncertain significance for Inborn genetic diseases. Last evaluated: 2022-06-03. Review status: criteria provided, single submitter. Criteria: Ambry Variant Classification Scheme 2023. Collection method: clinical testing. Allele origin: germline.

Labcorp Genetics (formerly Invitae), Labcorp
Classification: Uncertain significance. Last evaluated: 2021-09-24. Review status: criteria provided, single submitter. Criteria: Invitae Variant Classification Sherloc (09022015). Collection method: clinical testing. Allele origin: germline.
Comment: This sequence change replaces threonine with alanine at codon 1863 of the ASPM protein (p.Thr1863Ala). The threonine residue is moderately conserved and there is a small physicochemical difference between threonine and alanine. This variant is not present in population databases (ExAC no frequency). This variant has not been reported in the literature in individuals with ASPM-related conditions. ClinVar contains an entry for this variant (Variation ID: 874921). Algorithms developed to predict the effect of missense changes on protein structure and function output the following: SIFT: "Tolerated"; PolyPhen-2: "Possibly Damaging"; Align-GVGD: "Class C0". The alanine amino acid residue is found in multiple mammalian species, suggesting that this missense change does not adversely affect protein function. These predictions have not been confirmed by published functional studies and their clinical significance is uncertain. In summary, the available evidence is currently insufficient to determine the role of this variant in disease. Therefore, it has been classified as a Variant of Uncertain Significance.

Illumina Laboratory Services, Illumina
Classification: Uncertain significance for Microcephaly 5, primary, autosomal recessive. Last evaluated: 2018-01-13. Review status: criteria provided, single submitter. Criteria: ICSL Variant Classification Criteria 13 December 2019. Collection method: clinical testing. Allele origin: germline.

NM_018136.5(ASPM):c.5587A>G (p.Thr1863Ala)

Gene: ASPM (assembly factor for spindle microtubules; minus strand). Cytogenetic location: 1q31.3.
Variant type: single nucleotide variant.
Coding change: c.5587A>G on transcript NM_018136.5 (MANE Select); coding-DNA position 5587, A replaced by G.
Protein change: p.Thr1863Ala; replaces threonine 1863 with alanine.
Molecular consequence: missense variant. On other transcripts: intron variant (1).
Genome position (GRCh38, 1-based): chr1:197,103,664, T>C on the plus strand (A>G on the coding strand, the complement: ASPM is on the minus strand). VCF-style: chr1-197103664-T-C. GRCh37 (hg19) VCF-style: chr1-197072794-T-C.
Other names: c.4066-7500A>G (NM_001206846.2); short protein forms T1863A.
Identifiers: ClinVar variation 874921 (VCV000874921.10), dbSNP rs769813952, ClinGen allele CA35873613.